The following is an entry in ClinVar:

ClinVar aggregate classification (germline): Likely pathogenic (1 of 4 stars; one submission).

Conditions:
Neurodegeneration, infantile-onset, biotin-responsive. Also called: SODIUM-DEPENDENT MULTIVITAMIN TRANSPORTER DEFICIENCY; SMVT DEFICIENCY. Identifiers: Orphanet 521268, MedGen C5436520, MONDO:0033546, OMIM 618973.
Peripheral motor neuropathy, childhood-onset, biotin-responsive. Identifiers: MedGen C5676997, MONDO:0859255, OMIM 619903.

Submission:

First Genomix Gene Laboratory, Genetic Diagnostics Department
Classification: Likely pathogenic for Peripheral motor neuropathy, childhood-onset, biotin-responsive; Neurodegeneration, infantile-onset, biotin-responsive. Last evaluated: 2025-03-14. Review status: criteria provided, single submitter. Criteria: ACMG Guidelines, 2015. Collection method: clinical testing. Allele origin: germline. Inheritance: Autosomal recessive inheritance. Affected: no. Observed: 1 variant allele.

NM_021095.4(SLC5A6):c.957C>G (p.Tyr319Ter)

Gene: SLC5A6 (solute carrier family 5 member 6; minus strand). Cytogenetic location: 2p23.3.
Variant type: single nucleotide variant.
Coding change: c.957C>G on transcript NM_021095.4 (MANE Select); coding-DNA position 957, C replaced by G.
Protein change: p.Tyr319Ter; replaces tyrosine 319 with a stop codon.
Molecular consequence: nonsense. On other transcripts: non-coding transcript variant (1).
Genome position (GRCh38, 1-based): chr2:27,204,509, G>C on the plus strand (C>G on the coding strand, the complement: SLC5A6 is on the minus strand). VCF-style: chr2-27204509-G-C. GRCh37 (hg19) VCF-style: chr2-27427377-G-C.
Other names: short protein forms Y319*.
Identifiers: ClinVar variation 4845873 (VCV004845873.1).